The following is an entry in ClinVar:

NC_000006.12:g.(?_152122416)_(153426916_?)del

Genes: MTRF1L (mitochondrial translation release factor 1 like; minus strand), SYNE1 (spectrin repeat containing nuclear envelope protein 1; minus strand), SYNE1-AS1 (SYNE1 antisense RNA 1; plus strand), MYCT1 (MYC target 1; plus strand), RGS17 (regulator of G protein signaling 17; minus strand) and 29 more. Cytogenetic location: 6q25.2.
Variant type: Deletion.
Identifiers: ClinVar variation 538429 (VCV000538429.1).

ClinVar aggregate classification (germline): Pathogenic (1 of 4 stars; one submission).

Conditions:
Autosomal recessive ataxia, Beauce type. Also called: SYNE1-Related Autosomal Recessive Cerebellar Ataxia; Spinocerebellar ataxia, autosomal recessive 8; ATAXIA, RECESSIVE, OF BEAUCE; SYNE1 Deficiency. Identifiers: Orphanet 88644, MedGen C1853116, MONDO:0012549, OMIM 610743.
Emery-Dreifuss muscular dystrophy 4, autosomal dominant (EDMD4). Also called: EMERY-DREIFUSS MUSCULAR DYSTROPHY 4 WITH VARIABLE FEATURES. Identifiers: Orphanet 261, MedGen C2751807, MONDO:0013071, OMIM 612998.

Submission:

Labcorp Genetics (formerly Invitae), Labcorp
Classification: Pathogenic for Emery-Dreifuss muscular dystrophy 4, autosomal dominant; Autosomal recessive ataxia, Beauce type. Last evaluated: 2017-09-13. Review status: criteria provided, single submitter. Criteria: Invitae Variant Classification Sherloc (09022015). Collection method: clinical testing. Allele origin: germline.
Comment: A gross deletion of the genomic region encompassing the full coding sequence of the SYNE1 gene has been identified. The boundaries of this event are unknown as the deletion extends beyond the assayed region for this gene and therefore may encompass additional genes. This variant has not been reported in the literature in individuals with SYNE1-related disease. Loss-of-function variants in SYNE1 are known to be pathogenic (PMID: 17159980). For these reasons, this variant has been classified as Pathogenic.